The following is an entry in ClinVar:

NM_000059.4(BRCA2):c.7585G>A (p.Gly2529Ser)

Gene: BRCA2 (BRCA2 DNA repair associated; plus strand). Cytogenetic location: 13q13.1.
Variant type: single nucleotide variant.
Coding change: c.7585G>A on transcript NM_000059.4 (MANE Select); coding-DNA position 7585, G replaced by A.
Protein change: p.Gly2529Ser; replaces glycine 2529 with serine.
Molecular consequence: missense variant.
Genome position (GRCh38, 1-based): chr13:32,356,577, G>A. VCF-style: chr13-32356577-G-A. GRCh37 (hg19) VCF-style: chr13-32930714-G-A.
Other names: 7813G>A; short protein forms G2529S.
Identifiers: ClinVar variation 91483 (VCV000091483.34), dbSNP rs398122585, ClinGen allele CA025163.

ClinVar aggregate classification (germline): Conflicting classifications of pathogenicity. Review status: criteria provided, conflicting classifications (1 of 4 stars). 12 submissions from 12 submitters: Uncertain significance (10); Benign (1). 1 of the submissions does not count toward it. Last evaluated 2025-12-30.

Conditions:
Breast-ovarian cancer, familial, susceptibility to, 2 (BROVCA2). Also called: BRCA2 Hereditary Breast and Ovarian Cancer. Identifiers: Orphanet 145, MedGen C2675520, MONDO:0012933, OMIM 612555. Disease mechanism: loss of function.
Familial cancer of breast. Also called: Hereditary breast cancer; BREAST CANCER, FAMILIAL; hereditary breast carcinoma. Identifiers: Orphanet 227535, MedGen C0346153, MONDO:0016419, OMIM 114480. Disease mechanism: loss of function.
Hereditary cancer-predisposing syndrome. Also called: Hereditary neoplastic syndrome; Neoplastic Syndromes, Hereditary; Hereditary Cancer Syndrome; Tumor predisposition. Identifiers: Orphanet 140162, MedGen C0027672, MeSH D009386, MONDO:0015356.
Hereditary breast ovarian cancer syndrome. Also called: Hereditary breast and ovarian cancer syndrome (HBOC); Hereditary breast and/or ovarian cancer syndrome; Hereditary breast and ovarian cancer syndrome; Breast and ovarian cancer; BRCA1- and BRCA2-Associated Hereditary Breast and Ovarian Cancer; Hereditary breast and ovarian cancer. Identifiers: Orphanet 145, MedGen C0677776, MeSH D061325, MONDO:0003582. Disease mechanism: loss of function.

Allele frequency attached by ClinVar (database versions not stated): TOPMed 0.00003; gnomAD exomes below 0.00001; gnomAD 0.00001.
gnomAD v4.1: 3 of 1,614,082 alleles (0.00019%); highest among the groups gnomAD compares: African/African-American, 0.0027%; no homozygotes.

Submissions (12):

Labcorp Genetics (formerly Invitae), Labcorp
Classification: Uncertain significance for Hereditary breast ovarian cancer syndrome. Last evaluated: 2025-12-30. Review status: criteria provided, single submitter. Criteria: Invitae Variant Classification Sherloc (09022015). Collection method: clinical testing. Allele origin: germline.
Comment: This sequence change replaces glycine, which is neutral and non-polar, with serine, which is neutral and polar, at codon 2529 of the BRCA2 protein (p.Gly2529Ser). This variant is present in population databases (rs398122585, gnomAD 0.0009%). This variant has not been reported in the literature in individuals affected with BRCA2-related conditions. ClinVar contains an entry for this variant (Variation ID: 91483). Invitae Evidence Modeling of protein sequence and biophysical properties (such as structural, functional, and spatial information, amino acid conservation, physicochemical variation, residue mobility, and thermodynamic stability) indicates that this missense variant is not expected to disrupt BRCA2 protein function with a negative predictive value of 95%. In summary, the available evidence is currently insufficient to determine the role of this variant in disease. Therefore, it has been classified as a Variant of Uncertain Significance.

Women's Health and Genetics/Laboratory Corporation of America, LabCorp
Classification: Uncertain significance. Last evaluated: 2025-12-05. Review status: criteria provided, single submitter. Criteria: LabCorp Variant Classification Summary - May 2015. Collection method: clinical testing. Allele origin: germline.
Comment: Variant summary: BRCA2 c.7585G>A (p.Gly2529Ser) results in a non-conservative amino acid change located in the Breast cancer type 2 susceptibility protein, helical domain of the encoded protein sequence. Algorithms developed to predict the effect of missense changes on protein structure and function are either unavailable or do not agree on the potential impact of this missense change. The variant allele was found at a frequency of 4e-06 in 250996 control chromosomes. The available data on variant occurrences in the general population are insufficient to allow any conclusion about variant significance. To our knowledge, no occurrence of c.7585G>A in individuals affected with BRCA2-related conditions and no experimental evidence demonstrating its impact on protein function have been reported. ClinVar contains an entry for this variant (Variation ID: 91483). Based on the evidence outlined above, the variant was classified as uncertain significance.

Quest Diagnostics Nichols Institute San Juan Capistrano
Classification: Uncertain significance. Last evaluated: 2025-06-14. Review status: criteria provided, single submitter. Criteria: Quest Diagnostics criteria. Collection method: clinical testing. Allele origin: unknown.
Comment: The BRCA2 c.7585G>A (p.Gly2529Ser) variant has been identified in individuals with a personal and/or family history of cancer (PMID: 31853058 (2020)). The frequency of this variant in the general population (Genome Aggregation Database) is uninformative in the assessment of its pathogenicity. Analysis of this variant using bioinformatics tools for the prediction of the effect of amino acid changes on protein structure and function yielded predictions that this variant is benign. Based on the available information, we are unable to determine the clinical significance of this variant.

Ambry Genetics
Classification: Benign for Hereditary cancer-predisposing syndrome. Last evaluated: 2025-05-21. Review status: criteria provided, single submitter. Criteria: Ambry Variant Classification Scheme 2023. Collection method: clinical testing. Allele origin: germline.

Blueprint Genetics
Classification: Uncertain significance. Last evaluated: 2024-07-02. Review status: criteria provided, single submitter. Criteria: ACMG Guidelines, 2015. Collection method: clinical testing. Allele origin: germline.

All of Us Research Program, National Institutes of Health
Classification: Uncertain significance for Breast-ovarian cancer, familial, susceptibility to, 2. Last evaluated: 2023-12-18. Review status: criteria provided, single submitter. Criteria: ACMG Guidelines, 2015. Collection method: clinical testing. Allele origin: germline. Inheritance: Autosomal dominant inheritance. Observed: 3 variant alleles, 3 heterozygotes.
Comment: This missense variant replaces glycine with serine at codon 2529 of the BRCA2 protein. Computational prediction suggests that this variant may not impact protein structure and function (internally defined REVEL score threshold <= 0.5, PMID: 27666373). To our knowledge, functional studies have not been reported for this variant. This variant has not been reported in individuals affected with hereditary cancer in the literature. This variant has been identified in 1/250996 chromosomes in the general population by the Genome Aggregation Database (gnomAD). The available evidence is insufficient to determine the role of this variant in disease conclusively. Therefore, this variant is classified as a Variant of Uncertain Significance.

This study involves interpretation of variants in research participants for the purpose of population health screening. Participant phenotype was not available at the time of variant classification. Additional details can be found in publication PMID: 35346344, PMCID: PMC8962531

Color Diagnostics, LLC DBA Color Health
Classification: Uncertain significance for Hereditary cancer-predisposing syndrome. Last evaluated: 2023-11-27. Review status: criteria provided, single submitter. Criteria: ACMG Guidelines, 2015. Collection method: clinical testing. Allele origin: germline.
Comment: This missense variant replaces glycine with serine at codon 2529 of the BRCA2 protein. Computational prediction suggests that this variant may not impact protein structure and function (internally defined REVEL score threshold <= 0.5, PMID: 27666373). To our knowledge, functional studies have not been reported for this variant. This variant has not been reported in individuals affected with hereditary cancer in the literature. This variant has been identified in 1/250996 chromosomes in the general population by the Genome Aggregation Database (gnomAD). The available evidence is insufficient to determine the role of this variant in disease conclusively. Therefore, this variant is classified as a Variant of Uncertain Significance.

Institute for Biomarker Research, Medical Diagnostic Laboratories, L.L.C.
Classification: Uncertain significance for Hereditary breast ovarian cancer syndrome. Last evaluated: 2023-11-06. Review status: criteria provided, single submitter. Criteria: ACMG Guidelines, 2015. Collection method: clinical testing. Allele origin: germline.

Baylor Genetics
Classification: Uncertain significance for Familial cancer of breast. Last evaluated: 2023-09-06. Review status: criteria provided, single submitter. Criteria: ACMG Guidelines, 2015. Collection method: clinical testing. Allele origin: unknown.

Department of Pathology and Laboratory Medicine, Sinai Health System
Classification: Uncertain significance for Familial cancer of breast; Breast-ovarian cancer, familial, susceptibility to, 2. Last evaluated: 2022-01-07. Review status: criteria provided, single submitter. Criteria: ACMG Guidelines, 2015. Collection method: clinical testing. Allele origin: germline. Affected: yes.

GeneDx
Classification: Uncertain significance. Last evaluated: 2020-10-23. Review status: criteria provided, single submitter. Criteria: GeneDx Variant Classification Process June 2021. Collection method: clinical testing. Allele origin: germline. Affected: yes.
Comment: Not observed at a significant frequency in large population cohorts (Lek 2016); In silico analysis supports that this missense variant does not alter protein structure/function; Has not been previously published as pathogenic or benign to our knowledge; Also known as c.7813G>A

Sharing Clinical Reports Project (SCRP)
Classification: Uncertain significance for Breast-ovarian cancer, familial 2. Last evaluated: 2008-10-13. Review status: no assertion criteria provided. Collection method: clinical testing. Allele origin: germline. Not counted in ClinVar's aggregate classification.

Literature cited by the submitters: PubMed 31853058 (cited by Quest Diagnostics Nichols Institute San Juan Capistrano); PubMed 30185652 (cited by Quest Diagnostics Nichols Institute San Juan Capistrano); PubMed 33054725 (cited by Quest Diagnostics Nichols Institute San Juan Capistrano).